The following is an entry in ClinVar:

NC_000016.9:g.(?_88493879)_(88505740_?)del

Gene: ZNF469 (zinc finger protein 469; plus strand). Cytogenetic location: 16q24.2.
Variant type: Deletion.
Identifiers: ClinVar variation 2423761 (VCV002423761.3).

ClinVar aggregate classification (germline): Pathogenic (1 of 4 stars; one submission).

Submission:

Labcorp Genetics (formerly Invitae), Labcorp
Classification: Pathogenic. Last evaluated: 2022-06-28. Review status: criteria provided, single submitter. Criteria: Invitae Variant Classification Sherloc (09022015). Collection method: clinical testing. Allele origin: germline.
Comment: A gross deletion of the genomic region encompassing the full coding sequence of the ZNF469 gene has been identified. Loss-of-function variants in ZNF469 are known to be pathogenic (PMID: 23642083, 23680354). The boundaries of this event are unknown as they extend beyond the assayed region for this gene and therefore may encompass additional genes. This variant has not been reported in the literature in individuals affected with ZNF469-related conditions. For these reasons, this variant has been classified as Pathogenic.

Literature cited by the submitters: PubMed 23642083; PubMed 23680354.